The following is an entry in ClinVar:

NM_001365276.2(TNXB):c.892A>G (p.Asn298Asp)

Gene: TNXB (tenascin XB; minus strand). Cytogenetic location: 6p21.33.
Variant type: single nucleotide variant.
Coding change: c.892A>G on transcript NM_001365276.2 (MANE Select); coding-DNA position 892, A replaced by G.
Protein change: p.Asn298Asp; replaces asparagine 298 with aspartic acid.
Molecular consequence: missense variant.
Genome position (GRCh38, 1-based): chr6:32,096,961, T>C on the plus strand (A>G on the coding strand, the complement: TNXB is on the minus strand). VCF-style: chr6-32096961-T-C. GRCh37 (hg19) VCF-style: chr6-32064738-T-C.
Other names: c.892A>G, p.Asn298Asp (NM_001428335.1, NM_019105.8); short protein forms N298D.
Identifiers: ClinVar variation 3459703 (VCV003459703.1).

ClinVar aggregate classification (germline): Uncertain significance (1 of 4 stars; one submission).

Conditions:
Cardiovascular phenotype. Identifiers: MedGen CN230736.

Submission:

Ambry Genetics
Classification: Uncertain significance for Cardiovascular phenotype. Last evaluated: 2024-11-05. Review status: criteria provided, single submitter. Criteria: Ambry Variant Classification Scheme 2023. Collection method: clinical testing. Allele origin: germline.
Comment: The p.N298D variant (also known as c.892A>G), located in coding exon 2 of the TNXB gene, results from an A to G substitution at nucleotide position 892. The asparagine at codon 298 is replaced by aspartic acid, an amino acid with highly similar properties. This amino acid position is conserved. In addition, this alteration is predicted to be tolerated by in silico analysis. Based on the available evidence, the clinical significance of this variant remains unclear.